The following is an entry in ClinVar:

NM_001349338.3(FOXP1):c.319A>G (p.Ile107Val)

Gene: FOXP1 (forkhead box P1; minus strand). Cytogenetic location: 3p13.
Variant type: single nucleotide variant.
Coding change: c.319A>G on transcript NM_001349338.3 (MANE Select); coding-DNA position 319, A replaced by G.
Protein change: p.Ile107Val; replaces isoleucine 107 with valine.
Molecular consequence: missense variant. On other transcripts: non-coding transcript variant (2), intron variant (1).
Genome position (GRCh38, 1-based): chr3:71,053,737, T>C on the plus strand (A>G on the coding strand, the complement: FOXP1 is on the minus strand). VCF-style: chr3-71053737-T-C. GRCh37 (hg19) VCF-style: chr3-71102888-T-C.
Other names: c.319A>G, p.Ile107Val (NM_001244808.3, NM_001244810.2, NM_001244814.3 and 4 more transcripts); c.19A>G, p.Ile7Val (NM_001244813.3, NM_001244815.2, NM_001349337.2 and 4 more transcripts); c.283-6642A>G (NM_001244812.3); short protein forms I107V, I7V.
Identifiers: ClinVar variation 589162 (VCV000589162.8), dbSNP rs1440752852, ClinGen allele CA353564093.
Genomic context (GRCh38, chr3:71,053,737, plus strand): 5'-GGAGCTGCTGAGGGCTCAGCACTTGTTGCTGGAGGATCTGCTGCATTTGCTGGGGAGTGA[T>C]AACTTGAGGTGTCATCATAGCCACTGACACGGGAACCTAGAATGTTAATGAAGGATAAAT-3'
Protein context (NP_001336267.1, residues 97-117): VSVAMMTPQV[Ile107Val]TPQQMQQILQ

ClinVar aggregate classification (germline): Uncertain significance. Review status: criteria provided, multiple submitters, no conflicts (2 of 4 stars). 2 submissions from 2 submitters: Uncertain significance (2). Last evaluated 2023-05-20.

Conditions:
Inborn genetic diseases. Identifiers: MedGen C0950123, MeSH D030342.
Intellectual disability-severe speech delay-mild dysmorphism syndrome (IDDLA). Also called: Mental retardation with language impairment and autistic features; FOXP1 Syndrome; Intellectual developmental disorder with language impairment AND with or without autistic features. Identifiers: Orphanet 391372, MedGen C4013764, MONDO:0013352, OMIM 613670.

gnomAD v4.1: 6 of 1,614,016 alleles (0.00037%); highest among the groups gnomAD compares: South Asian, 0.0055%; no homozygotes.

Submissions (2):

Neuberg Centre For Genomic Medicine, NCGM
Classification: Uncertain significance for Intellectual disability-severe speech delay-mild dysmorphism syndrome. Last evaluated: 2023-05-20. Review status: criteria provided, single submitter. Criteria: ACMG Guidelines, 2015. Collection method: clinical testing. Allele origin: germline. Inheritance: Autosomal dominant inheritance. Affected: yes.
Comment: The observed missense variant c.319A>G(p.Ile107Val) in the FOXP1 gene has not been reported previously as a pathogenic variant nor as a benign variant, to our knowledge. This variant is absent in the gnomAD Exomes. This variant has been reported to the ClinVar database as Uncertain Significance. However, no details are available for independent assessment. The amino acid Ileucine at position 107 is changed to a Valine changing protein sequence and it might alter its composition and physico- chemical properties. Computational evidence (Polyphen - Possibly damaging, SIFT - Tolerated and MutationTaster - Disease causing) predicts conflicting evidence on protein structure and function for this variant. The residue is conserved by GERP++ and PhyloP across 100 vertebrates. For these reasons, this variant has been classified as Uncertain Significance.

Ambry Genetics
Classification: Uncertain significance for Inborn genetic diseases. Last evaluated: 2017-05-30. Review status: criteria provided, single submitter. Criteria: Ambry Variant Classification Scheme 2023. Collection method: clinical testing. Allele origin: germline.
Comment: The p.I107V variant (also known as c.319A>G), located in coding exon 3 of the FOXP1 gene, results from an A to G substitution at nucleotide position 319. The isoleucine at codon 107 is replaced by valine, an amino acid with highly similar properties. This amino acid position is highly conserved in available vertebrate species. In addition, this alteration is predicted to be tolerated by in silico analysis. Since supporting evidence is limited at this time, the clinical significance of this alteration remains unclear.